The following is an entry in ClinVar:

NM_145068.4(TRPV3):c.*2153A>G

Genes: SPATA22 (spermatogenesis associated 22; minus strand), TRPV3 (transient receptor potential cation channel subfamily V member 3; minus strand). Cytogenetic location: 17p13.2.
Variant type: single nucleotide variant.
Coding change: c.*2153A>G on transcript NM_145068.4 (MANE Select); 2153 bases downstream of the stop codon, A replaced by G.
Molecular consequence: 3 prime UTR variant. On other transcripts: intron variant (2).
Genome position (GRCh38, 1-based): chr17:3,511,764, T>C on the plus strand (A>G on the coding strand, the complement: TRPV3 is on the minus strand). VCF-style: chr17-3511764-T-C. GRCh37 (hg19) VCF-style: chr17-3415058-T-C.
Other names: c.-74+1648A>G (NM_001321336.2, NM_001321337.2); c.*2153A>G (NM_001258205.2).
Identifiers: ClinVar variation 322698 (VCV000322698.7), dbSNP rs545225352, ClinGen allele CA10639391.

ClinVar aggregate classification (germline): Benign (1 of 4 stars; one submission).

Conditions:
Isolated focal non-epidermolytic palmoplantar keratoderma. Also called: Palmoplantar keratoderma, nonepidermolytic, focal 2. Identifiers: Orphanet 448264, MedGen C4225339, MONDO:0014622, OMIM 616400.

Allele frequency attached by ClinVar (database versions not stated): 1000 Genomes Project 30x 0.00047; gnomAD 0.00190 and 0.00183; 1000 Genomes Project 0.00060; TOPMed 0.00176.

Submission:

Illumina Laboratory Services, Illumina
Classification: Benign for Isolated focal non-epidermolytic palmoplantar keratoderma. Last evaluated: 2018-01-13. Review status: criteria provided, single submitter. Criteria: ICSL Variant Classification Criteria 13 December 2019. Collection method: clinical testing. Allele origin: germline.
Comment: This variant was observed in the ICSL laboratory as part of a predisposition screen in an ostensibly healthy population. It had not been previously curated by ICSL or reported in the Human Gene Mutation Database (HGMD: prior to June 1st, 2018), and was therefore a candidate for classification through an automated scoring system. Utilizing variant allele frequency, disease prevalence and penetrance estimates, and inheritance mode, an automated score was calculated to assess if this variant is too frequent to cause the disease. Based on the score and internal cut-off values, a variant classified as benign is not then subjected to further curation. The score for this variant resulted in a classification of benign for this disease.